The following is an entry in ClinVar:

ClinVar aggregate classification (germline): Uncertain significance (1 of 4 stars; one submission).

Allele frequency attached by ClinVar (database versions not stated): ESP Exome Variant Server 0.00008.
gnomAD v4.1: 7 of 1,614,152 alleles (0.00043%); highest among the groups gnomAD compares: South Asian, 0.0055%; no homozygotes.

Submission:

Ambry Genetics
Classification: Uncertain significance. Last evaluated: 2023-04-28. Review status: criteria provided, single submitter. Criteria: Ambry Variant Classification Scheme 2023. Collection method: clinical testing. Allele origin: germline.
Comment: The p.N1080D variant (also known as c.3238A>G), located in coding exon 17 of the NPAT gene, results from an A to G substitution at nucleotide position 3238. The asparagine at codon 1080 is replaced by aspartic acid, an amino acid with highly similar properties. This amino acid position is conserved. In addition, this alteration is predicted to be tolerated by in silico analysis. Since supporting evidence is limited at this time, the clinical significance of this alteration remains unclear.

NM_002519.3(NPAT):c.3238A>G (p.Asn1080Asp)

Gene: NPAT (nuclear protein, coactivator of histone transcription; minus strand). Cytogenetic location: 11q22.3.
Variant type: single nucleotide variant.
Coding change: c.3238A>G on transcript NM_002519.3 (MANE Select); coding-DNA position 3238, A replaced by G.
Protein change: p.Asn1080Asp; replaces asparagine 1080 with aspartic acid.
Molecular consequence: missense variant.
Genome position (GRCh38, 1-based): chr11:108,161,848, T>C on the plus strand (A>G on the coding strand, the complement: NPAT is on the minus strand). VCF-style: chr11-108161848-T-C. GRCh37 (hg19) VCF-style: chr11-108032575-T-C.
Other names: c.3259A>G, p.Asn1087Asp (NM_001321307.1); short protein forms N1087D, N1080D.
Identifiers: ClinVar variation 2567988 (VCV002567988.2), dbSNP rs368693876, ClinGen allele CA6263611.